The following is an entry in ClinVar:

NM_003315.4(DNAJC7):c.529C>T (p.Arg177Cys)

Gene: DNAJC7 (DnaJ heat shock protein family (Hsp40) member C7; minus strand). Cytogenetic location: 17q21.2.
Variant type: single nucleotide variant.
Coding change: c.529C>T on transcript NM_003315.4 (MANE Select); coding-DNA position 529, C replaced by T.
Protein change: p.Arg177Cys; replaces arginine 177 with cysteine.
Molecular consequence: missense variant. On other transcripts: non-coding transcript variant (1).
Genome position (GRCh38, 1-based): chr17:41,990,334, G>A on the plus strand (C>T on the coding strand, the complement: DNAJC7 is on the minus strand). VCF-style: chr17-41990334-G-A. GRCh37 (hg19) VCF-style: chr17-40142352-G-A.
Other names: c.361C>T, p.Arg121Cys (NM_001144766.3); short protein forms R121C, R177C.
Identifiers: ClinVar variation 4979651 (VCV004979651.1).
Genomic context (GRCh38, chr17:41,990,334, plus strand): 5'-ACTGTGCTTCTGGATAACGACCCAGCATTGCTAAACATTCTGCCTTGAGGATTTTGAAGC[G>A]ATGGCAGGCAGGGGCAAATTCTAGGGCACGGTCCATGCAGAAAACAACCTGTAGGGAAGA-3'
Protein context (NP_003306.3, residues 167-187): RALEFAPACH[Arg177Cys]FKILKAECLA

ClinVar aggregate classification (germline): Uncertain significance (1 of 4 stars; one submission).

Conditions:
DNAJC7-related condition.

gnomAD v4.1: 77 of 1,611,654 alleles (0.0048%); highest among the groups gnomAD compares: East Asian, 0.0067%; no homozygotes.

Submission:

PreventionGenetics, part of Exact Sciences
Classification: Uncertain significance for DNAJC7-related condition. Last evaluated: 2026-05-22. Review status: criteria provided, single submitter. Criteria: ACMG Guidelines, 2015. Collection method: clinical testing. Allele origin: germline.
Comment: The DNAJC7 c.529C>T variant is predicted to result in the amino acid substitution p.Arg177Cys. To our knowledge, this variant has not been reported in the literature. This variant is reported in 0.014% of alleles in individuals of African descent in gnomAD. At this time, the clinical significance of this variant is uncertain due to the absence of conclusive functional and genetic evidence.